The following is an entry in ClinVar:

NM_001042492.3(NF1):c.3974+2T>C

Gene: NF1 (neurofibromin 1; plus strand). Cytogenetic location: 17q11.2.
Variant type: single nucleotide variant.
Coding change: c.3974+2T>C on transcript NM_001042492.3 (MANE Select); the canonical splice donor site of the intron after coding-DNA position 3974, T replaced by C.
Molecular consequence: splice donor variant.
Genome position (GRCh38, 1-based): chr17:31,236,023, T>C. VCF-style: chr17-31236023-T-C. GRCh37 (hg19) VCF-style: chr17-29563041-T-C.
Other names: NC_000017.10:g.29563041T>C; c.3974+2T>C (NM_000267.4).
Identifiers: ClinVar variation 457675 (VCV000457675.2), dbSNP rs1555615567, ClinGen allele CA398993362.

ClinVar aggregate classification (germline): Likely pathogenic (1 of 4 stars; one submission).

Conditions:
Neurofibromatosis, type 1 (NF1). Also called: VON RECKLINGHAUSEN DISEASE; NEUROFIBROMATOSIS, TYPE I, SOMATIC; Peripheral type neurofibromatosis; Neurofibromatosis, type I. Identifiers: Orphanet 636, MedGen C0027831, MONDO:0018975, OMIM 162200. Disease mechanism: loss of function.

Submissions (2):

Labcorp Genetics (formerly Invitae), Labcorp
Classification: Likely pathogenic for Neurofibromatosis, type 1. Last evaluated: 2017-06-05. Review status: criteria provided, single submitter. Criteria: Invitae Variant Classification Sherloc (09022015). Collection method: clinical testing. Allele origin: germline.
Comment: This sequence change affects a donor splice site in intron 29 of the NF1 gene. It is expected to disrupt RNA splicing and likely results in an absent or disrupted protein product. This variant is not present in population databases (ExAC no frequency). This variant has not been reported in the literature in individuals with an NF1-related disease. Algorithms developed to predict the effect of sequence changes on RNA splicing suggest that this variant may disrupt the consensus splice site, but this prediction has not been confirmed by published transcriptional studies. Different variants affecting this nucleotide (c.3974+2T>A, c.3974+2T>G) have been reported in individuals who were referred for NF1 genetic testing (PMID: 17311297, 26740943). This suggests that this nucleotide is important for normal RNA splicing. Donor and acceptor splice site variants typically lead to a loss of protein function (PMID: 16199547), and loss-of-function variants in NF1 are known to be pathogenic (PMID: 10712197, 23913538). In summary, the currently available evidence indicates that the variant is pathogenic, but additional data are needed to prove that conclusively. Therefore, this variant has been classified as Likely Pathogenic.

Dr. Peter K. Rogan Lab, Western University
No classification provided (evidence only). Condition: Familial cancer of breast. Review status: no classification provided. Collection method: in vitro. Allele origin: not applicable. Functional consequence: skipped exon, retained intron. Not counted in ClinVar's aggregate classification.